The following is an entry in ClinVar:

ClinVar aggregate classification (germline): Uncertain significance. Review status: criteria provided, multiple submitters, no conflicts (2 of 4 stars). 2 submissions from 2 submitters: Uncertain significance (2). Last evaluated 2025-02-01.

Conditions:
Renal cell carcinoma. Identifiers: Orphanet 217071, MedGen C0007134, MeSH D002292, MONDO:0005086, HP:0005584.
Hereditary cancer-predisposing syndrome. Also called: Tumor predisposition; Hereditary neoplastic syndrome; Neoplastic Syndromes, Hereditary; Hereditary Cancer Syndrome. Identifiers: Orphanet 140162, MedGen C0027672, MeSH D009386, MONDO:0015356.

Submissions (2):

Ambry Genetics
Classification: Uncertain significance for Hereditary cancer-predisposing syndrome. Last evaluated: 2025-02-01. Review status: criteria provided, single submitter. Criteria: Ambry Variant Classification Scheme 2023. Collection method: clinical testing. Allele origin: germline.
Comment: The p.I565T variant (also known as c.1694T>C), located in coding exon 4 of the MET gene, results from a T to C substitution at nucleotide position 1694. The isoleucine at codon 565 is replaced by threonine, an amino acid with similar properties. This amino acid position is conserved. In addition, the in silico prediction for this alteration is inconclusive. Based on the available evidence, the clinical significance of this variant remains unclear.

Labcorp Genetics (formerly Invitae), Labcorp
Classification: Uncertain significance for Renal cell carcinoma. Last evaluated: 2021-02-06. Review status: criteria provided, single submitter. Criteria: Invitae Variant Classification Sherloc (09022015). Collection method: clinical testing. Allele origin: germline.
Comment: In summary, the available evidence is currently insufficient to determine the role of this variant in disease. Therefore, it has been classified as a Variant of Uncertain Significance. Algorithms developed to predict the effect of missense changes on protein structure and function are either unavailable or do not agree on the potential impact of this missense change (SIFT: "Deleterious"; PolyPhen-2: "Benign"; Align-GVGD: "Class C25"). This variant has not been reported in the literature in individuals with MET-related disease. This variant is not present in population databases (ExAC no frequency). This sequence change replaces isoleucine with threonine at codon 565 of the MET protein (p.Ile565Thr). The isoleucine residue is moderately conserved and there is a moderate physicochemical difference between isoleucine and threonine.

NM_000245.4(MET):c.1694T>C (p.Ile565Thr)

Gene: MET (MET proto-oncogene, receptor tyrosine kinase; plus strand). Cytogenetic location: 7q31.2.
Variant type: single nucleotide variant.
Coding change: c.1694T>C on transcript NM_000245.4 (MANE Select); coding-DNA position 1694, T replaced by C.
Protein change: p.Ile565Thr; replaces isoleucine 565 with threonine.
Molecular consequence: missense variant.
Genome position (GRCh38, 1-based): chr7:116,741,018, T>C. VCF-style: chr7-116741018-T-C. GRCh37 (hg19) VCF-style: chr7-116381072-T-C.
Other names: c.1694T>C, p.Ile565Thr (NM_001127500.3, NM_001324401.3); c.404T>C, p.Ile135Thr (NM_001324402.2); short protein forms I565T, I135T.
Identifiers: ClinVar variation 665423 (VCV000665423.11), dbSNP rs1584923517, ClinGen allele CA368975913.
Genomic context (GRCh38, chr7:116,741,018, plus strand): 5'-GTGTGCGATCGGAGGAATGCCTGAGCGGGACATGGACTCAACAGATCTGTCTGCCTGCAA[T>C]CTACAAGGTAGGAATCTCTAACAGCTGGCATACATGTTTTTGTTTGGTGTTTTTTTTTTT-3'
Protein context (NP_000236.2, residues 555-575): TWTQQICLPA[Ile565Thr]YKVFPNSAPL